The following is an entry in ClinVar:

ClinVar aggregate classification (germline): Likely benign (1 of 4 stars; one submission).

Conditions:
Familial thoracic aortic aneurysm and aortic dissection (TAAD). Also called: Thoracic aortic aneurysms and dissections. Identifiers: Orphanet 91387, MedGen C4707243, MONDO:0019625.

gnomAD v4.1: 1 of 1,614,028 alleles (0.000062%); highest among the groups gnomAD compares: Non-Finnish European, 0.000085%; no homozygotes.

Submission:

All of Us Research Program, National Institutes of Health
Classification: Likely benign for Familial thoracic aortic aneurysm and aortic dissection. Last evaluated: 2024-05-14. Review status: criteria provided, single submitter. Criteria: ACMG Guidelines, 2015. Collection method: clinical testing. Allele origin: germline. Inheritance: Autosomal dominant inheritance. Observed: 1 variant allele, 1 heterozygote.
Comment: This study involves interpretation of variants in research participants for the purpose of population health screening. Participant phenotype was not available at the time of variant classification. Additional details can be found in publication PMID: 35346344, PMCID: PMC8962531

NM_001613.4(ACTA2):c.894C>T (p.Asn298=)

Genes: ACTA2 (actin alpha 2, smooth muscle; minus strand), ACTA2-AS1 (ACTA2 antisense RNA 1; plus strand). Cytogenetic location: 10q23.31.
Variant type: single nucleotide variant.
Coding change: c.894C>T on transcript NM_001613.4 (MANE Select); coding-DNA position 894, C replaced by T.
Protein change: p.Asn298=; no amino-acid change (asparagine 298 retained).
Molecular consequence: synonymous variant.
Genome position (GRCh38, 1-based): chr10:88,938,157, G>A on the plus strand (C>T on the coding strand, the complement: ACTA2 is on the minus strand). VCF-style: chr10-88938157-G-A. GRCh37 (hg19) VCF-style: chr10-90697914-G-A.
Other names: c.894C>T, p.Asn298= (NM_001141945.3, NM_001320855.2, NM_001406462.1 and 2 more transcripts); c.783C>T, p.Asn261= (NM_001406466.1); c.765C>T, p.Asn255= (NM_001406467.1, NM_001406468.1, NM_001406469.1); c.702C>T, p.Asn234= (NM_001406471.1).
Identifiers: ClinVar variation 3387357 (VCV003387357.1).
Genomic context (GRCh38, chr10:88,938,157, plus strand): 5'-CTCCTTCTGCATTCGGTCGGCAATGCCAGGGTACATAGTGGTGCCCCCTGATAGGACATT[G>A]TTAGCATAGAGGTCCTTCCTGATGTCAATATCACACTTCATGATGCTGTTGTAGGTGGTT-3'
Protein context (NP_001604.1, residues 288-308): DIDIRKDLYA[Asn298=]NVLSGGTTMY